The following is an entry in ClinVar:

NM_006005.3(WFS1):c.2545A>G (p.Asn849Asp)

Gene: WFS1 (wolframin ER transmembrane glycoprotein; plus strand). Cytogenetic location: 4p16.1.
Variant type: single nucleotide variant.
Coding change: c.2545A>G on transcript NM_006005.3 (MANE Select); coding-DNA position 2545, A replaced by G.
Protein change: p.Asn849Asp; replaces asparagine 849 with aspartic acid.
Molecular consequence: missense variant.
Genome position (GRCh38, 1-based): chr4:6,302,340, A>G. VCF-style: chr4-6302340-A-G. GRCh37 (hg19) VCF-style: chr4-6304067-A-G.
Other names: c.2545A>G, p.Asn849Asp (NM_001145853.1); short protein forms N849D.
Identifiers: ClinVar variation 2908409 (VCV002908409.3), dbSNP rs755102943, ClinGen allele CA356179181.

ClinVar aggregate classification (germline): Uncertain significance (1 of 4 stars; one submission).

Submission:

Labcorp Genetics (formerly Invitae), Labcorp
Classification: Uncertain significance. Last evaluated: 2023-08-11. Review status: criteria provided, single submitter. Criteria: Invitae Variant Classification Sherloc (09022015). Collection method: clinical testing. Allele origin: germline.
Comment: Advanced modeling of protein sequence and biophysical properties (such as structural, functional, and spatial information, amino acid conservation, physicochemical variation, residue mobility, and thermodynamic stability) performed at Invitae indicates that this missense variant is not expected to disrupt WFS1 protein function. In summary, the available evidence is currently insufficient to determine the role of this variant in disease. Therefore, it has been classified as a Variant of Uncertain Significance. This variant has not been reported in the literature in individuals affected with WFS1-related conditions. This variant is not present in population databases (gnomAD no frequency). This sequence change replaces asparagine, which is neutral and polar, with aspartic acid, which is acidic and polar, at codon 849 of the WFS1 protein (p.Asn849Asp).